The following is an entry in ClinVar:

NM_001370259.2(MEN1):c.1518C>T (p.Thr506=)

Gene: MEN1 (menin 1; minus strand). Cytogenetic location: 11q13.1.
Variant type: single nucleotide variant.
Coding change: c.1518C>T on transcript NM_001370259.2 (MANE Select); coding-DNA position 1518, C replaced by T.
Protein change: p.Thr506=; no amino-acid change (threonine 506 retained).
Molecular consequence: synonymous variant.
Genome position (GRCh38, 1-based): chr11:64,804,649, G>A on the plus strand (C>T on the coding strand, the complement: MEN1 is on the minus strand). VCF-style: chr11-64804649-G-A. GRCh37 (hg19) VCF-style: chr11-64572121-G-A.
Other names: c.1533C>T, p.Thr511= (NM_000244.4, NM_130800.3, NM_130801.3 and 3 more transcripts); c.1644C>T, p.Thr548= (NM_001370251.2); c.1518C>T, p.Thr506= (NM_001370260.2, NM_001370261.2, NM_130799.3); c.1413C>T, p.Thr471= (NM_001370262.2, NM_001370263.2); c.1533C>T (NM_000244.3).
Identifiers: ClinVar variation 241807 (VCV000241807.21), dbSNP rs749265222, ClinGen allele CA060719.
Genomic context (GRCh38, chr11:64,804,649, plus strand): 5'-GGCTGTGCCAGCGACAGTCCCAGGAGGCTTCCGGGGGGGTCCTGACACTGCACCCTGGCC[G>A]GTGCCCAGGCCCTTGTCCAGTGCTGGCTTCTTGGGCGGCGGGGGCTCCTCTGGCTTGGAC-3'
Protein context (NP_001357188.2, residues 496-516): KKPALDKGLG[Thr506=]GQGAVSGPPR

ClinVar aggregate classification (germline): Benign/Likely benign. Review status: criteria provided, multiple submitters, no conflicts (2 of 4 stars). 7 submissions from 7 submitters: Benign (2); Likely benign (4). 1 of the submissions does not count toward it. Last evaluated 2025-12-08.

Conditions:
MEN1-related disorder. Also called: MEN1-related condition.
Hereditary cancer-predisposing syndrome. Also called: Hereditary Cancer Syndrome; Tumor predisposition; Hereditary neoplastic syndrome; Neoplastic Syndromes, Hereditary. Identifiers: Orphanet 140162, MedGen C0027672, MeSH D009386, MONDO:0015356.
Multiple endocrine neoplasia, type 1 (MEN1). Also called: MEN I; WERMER SYNDROME; Endocrine adenomatosis multiple; MEN 1; MEA I. Identifiers: Orphanet 652, MedGen C0025267, MeSH D018761, MONDO:0007540, OMIM 131100.

Allele frequency attached by ClinVar (database versions not stated): gnomAD exomes 0.00007 and 0.00005; TOPMed 0.00003; gnomAD 0.00004; ExAC 0.00006.
gnomAD v4.1: 80 of 1,600,146 alleles (0.005%); highest among the groups gnomAD compares: Admixed American, 0.031%; no homozygotes.

Submissions (7):

Labcorp Genetics (formerly Invitae), Labcorp
Classification: Likely benign for Multiple endocrine neoplasia, type 1. Last evaluated: 2025-12-08. Review status: criteria provided, single submitter. Criteria: Invitae Variant Classification Sherloc (09022015). Collection method: clinical testing. Allele origin: germline.

Myriad Genetics, Inc.
Classification: Benign for Multiple endocrine neoplasia, type 1. Last evaluated: 2024-11-05. Review status: criteria provided, single submitter. Criteria: Myriad Autosomal Dominant, Autosomal Recessive and X-Linked Classification Criteria (2023). Collection method: clinical testing. Allele origin: unknown.
Comment: This variant is considered benign. This variant is a silent/synonymous amino acid change and it is not expected to impact splicing.

Blueprint Genetics
Classification: Likely benign. Last evaluated: 2024-09-05. Review status: criteria provided, single submitter. Criteria: ACMG Guidelines, 2015. Collection method: clinical testing. Allele origin: germline.

Color Diagnostics, LLC DBA Color Health
Classification: Likely benign for Multiple endocrine neoplasia, type 1. Last evaluated: 2022-11-06. Review status: criteria provided, single submitter. Criteria: ACMG Guidelines, 2015. Collection method: clinical testing. Allele origin: germline.

Sema4
Classification: Benign for Hereditary cancer-predisposing syndrome. Last evaluated: 2021-03-25. Review status: criteria provided, single submitter. Criteria: Sema4 Curation Guidelines. Collection method: curation. Allele origin: germline.

Ambry Genetics
Classification: Likely benign for Hereditary cancer-predisposing syndrome. Last evaluated: 2016-05-31. Review status: criteria provided, single submitter. Criteria: Ambry Variant Classification Scheme 2023. Collection method: clinical testing. Allele origin: germline.

PreventionGenetics, part of Exact Sciences
Classification: Likely benign for MEN1-related condition. Last evaluated: 2020-02-26. Review status: no assertion criteria provided. Collection method: clinical testing. Allele origin: germline. Not counted in ClinVar's aggregate classification.
Comment: This variant is classified as likely benign based on ACMG/AMP sequence variant interpretation guidelines (Richards et al. 2015 PMID: 25741868, with internal and published modifications).